The following is an entry in ClinVar:

ClinVar aggregate classification (germline): Uncertain significance (1 of 4 stars; one submission).

Submission:

Dasa
Classification: Uncertain significance. Last evaluated: 2025-10-10. Review status: criteria provided, single submitter. Criteria: DASA Assertion Criteria. Collection method: clinical testing. Allele origin: germline.
Comment: NM_004977.3(KCNC3):c.164C>T (p.Pro55Leu) is a missense variant that results in the substitution of proline with leucine. This variant is absent from population databases. The currently available literature and clinical evidence are not sufficient to establish a definitive association between this variant and the reported condition. Therefore, this variant is classified as a variant of uncertain significance.

NM_004977.3(KCNC3):c.164C>T (p.Pro55Leu)

Gene: KCNC3 (potassium voltage-gated channel subfamily C member 3; minus strand). Cytogenetic location: 19q13.33.
Variant type: single nucleotide variant.
Coding change: c.164C>T on transcript NM_004977.3 (MANE Select); coding-DNA position 164, C replaced by T.
Protein change: p.Pro55Leu; replaces proline 55 with leucine.
Molecular consequence: missense variant. On other transcripts: 5 prime UTR variant (1).
Genome position (GRCh38, 1-based): chr19:50,328,919, G>A on the plus strand (C>T on the coding strand, the complement: KCNC3 is on the minus strand). VCF-style: chr19-50328919-G-A. GRCh37 (hg19) VCF-style: chr19-50832176-G-A.
Other names: c.-65C>T (NM_001372305.1); short protein forms P55L.
Identifiers: ClinVar variation 4883650 (VCV004883650.2).
Genomic context (GRCh38, chr19:50,328,919, plus strand): 5'-GCCGCCGGCAGCCCGGGGCATGGCTCGGCGCGCCGGTCCCCGGGCCCGCGGGGTGCCGGG[G>A]GGCCCGCCGGGGACGCGGCGGGGCCGGGCTGCGCAGGCTGCTGCTGCTGCGGCGGCAGCG-3'
Protein context (NP_004968.2, residues 45-65): QPGPAASPAG[Pro55Leu]PAPRGPGDRR